The following is an entry in ClinVar:

ClinVar aggregate classification (germline): not provided (0 of 4 stars; one submission).

Allele frequency attached by ClinVar (database versions not stated): gnomAD exomes below 0.00001; gnomAD 0.00001; TOPMed 0.00001.
gnomAD v4.1: 4 of 690,146 alleles (0.00058%); highest among the groups gnomAD compares: East Asian, 0.011%; no homozygotes.

Submission:

Human Evolutionary Genetics, Institut Pasteur
No classification provided. Review status: no classification provided. Collection method: not provided. Allele origin: germline.
ClinVar note: Converted during submission from untested to not provided.

NC_000016.10:g.10877163G>A

Gene: CIITA (class II major histocompatibility complex transactivator; plus strand). Cytogenetic location: 16p13.13.
Variant type: single nucleotide variant.
Genome position: GRCh38 VCF-style: chr16-10877163-G-A. GRCh37 (hg19) VCF-style: chr16-10971020-G-A.
Identifiers: ClinVar variation 102957 (VCV000102957.2), dbSNP rs199476059, ClinGen allele CA229920.